The following is an entry in ClinVar:

NM_001282874.2(SMARCA1):c.1451A>G (p.Asn484Ser)

Gene: SMARCA1 (SNF2 related chromatin remodeling ATPase 1; minus strand). Cytogenetic location: Xq25.
Variant type: single nucleotide variant.
Coding change: c.1451A>G on transcript NM_001282874.2 (MANE Select); coding-DNA position 1451, A replaced by G.
Protein change: p.Asn484Ser; replaces asparagine 484 with serine.
Molecular consequence: missense variant.
Genome position (GRCh38, 1-based): chrX:129,497,898, T>C on the plus strand (A>G on the coding strand, the complement: SMARCA1 is on the minus strand). VCF-style: chrX-129497898-T-C. GRCh37 (hg19) VCF-style: chrX-128631875-T-C.
Other names: c.1451A>G, p.Asn484Ser (NM_001282875.2, NM_001378261.1, NM_001378262.1 and 3 more transcripts); short protein forms N484S.
Identifiers: ClinVar variation 4278755 (VCV004278755.1).

ClinVar aggregate classification (germline): Uncertain significance (1 of 4 stars; one submission).

Submission:

GeneDx
Classification: Uncertain significance. Last evaluated: 2025-04-04. Review status: criteria provided, single submitter. Criteria: GeneDx Variant Classification Process June 2021. Collection method: clinical testing. Allele origin: germline. Affected: yes.
Comment: Not observed at significant frequency in large population cohorts (gnomAD); In silico analysis supports that this missense variant has a deleterious effect on protein structure/function; Has not been previously published as pathogenic or benign to our knowledge; Variants in candidate genes are classified as variants of uncertain significance in accordance with ACMG guidelines (PMID: 25741868)